The following is an entry in ClinVar:

NM_000444.6(PHEX):c.1851_1854dup (p.Ile619fs)

Genes: PHEX (phosphate regulating endopeptidase X-linked; plus strand), PTCHD1-AS (PTCHD1 and PHEX antisense RNA; minus strand). Cytogenetic location: Xp22.11.
Variant type: Duplication.
Coding change: c.1851_1854dup on transcript NM_000444.6 (MANE Select); coding-DNA positions 1851 to 1854, 4 bases duplicated (CATG; older notation c.1851_1854dupCATG).
Protein change: p.Ile619fs; shifts the reading frame from isoleucine 619.
Molecular consequence: frameshift variant.
Genome position (GRCh38, 1-based): chrX:22,221,695-22,221,698, CATG duplicated; duplicating any 4 consecutive bases within chrX:22,221,692-22,221,698 gives the same sequence; the c. name uses the placement nearest the transcript's 3' end. VCF-style (leftmost placement, unchanged base first): chrX-22221691-A-AATGC. GRCh37 (hg19) VCF-style: chrX-22239808-A-AATGC.
Other names: c.1851_1854dup, p.Ile619fs (NM_001282754.2); short protein forms I619fs.
Identifiers: ClinVar variation 2031001 (VCV002031001.4), dbSNP rs2518664496, ClinGen allele CA2580100501.
Genomic context (GRCh38, chrX:22,221,691, plus strand): 5'-ATGGAAACCTGGATCCTTGGTGGTCTACTGAATCAGAAGAAAAGTTTAAGGAAAAAACAA[A>AATGC]ATGCATGATTAACCAGTATAGCAACTATTATTGGAAGAAAGCTGGCTTAAATGTGAGTAC-3'

ClinVar aggregate classification (germline): Pathogenic (1 of 4 stars; one submission).

Submission:

Labcorp Genetics (formerly Invitae), Labcorp
Classification: Pathogenic. Last evaluated: 2022-09-17. Review status: criteria provided, single submitter. Criteria: Invitae Variant Classification Sherloc (09022015). Collection method: clinical testing. Allele origin: germline.
Comment: For these reasons, this variant has been classified as Pathogenic. This sequence change creates a premature translational stop signal (p.Ile619Hisfs*3) in the PHEX gene. It is expected to result in an absent or disrupted protein product. Loss-of-function variants in PHEX are known to be pathogenic (PMID: 9097956, 9106524, 19219621). This variant is not present in population databases (gnomAD no frequency). This variant has not been reported in the literature in individuals affected with PHEX-related conditions.

Literature cited by the submitters: PubMed 9097956; PubMed 9106524; PubMed 19219621.